The following is an entry in ClinVar:

NM_001844.5(COL2A1):c.3950T>C (p.Met1317Thr)

Gene: COL2A1 (collagen type II alpha 1 chain; minus strand). Cytogenetic location: 12q13.11.
Variant type: single nucleotide variant.
Coding change: c.3950T>C on transcript NM_001844.5 (MANE Select); coding-DNA position 3950, T replaced by C.
Protein change: p.Met1317Thr; replaces methionine 1317 with threonine.
Molecular consequence: missense variant.
Genome position (GRCh38, 1-based): chr12:47,974,799, A>G on the plus strand (T>C on the coding strand, the complement: COL2A1 is on the minus strand). VCF-style: chr12-47974799-A-G. GRCh37 (hg19) VCF-style: chr12-48368582-A-G.
Other names: c.3743T>C, p.Met1248Thr (NM_033150.3); short protein forms M1248T, M1317T.
Identifiers: ClinVar variation 1310125 (VCV001310125.8), dbSNP rs1555164561, ClinGen allele CA6534593.

ClinVar aggregate classification (germline): Conflicting classifications of pathogenicity. Review status: criteria provided, conflicting classifications (1 of 4 stars). 3 submissions from 3 submitters: Uncertain significance (2); Likely benign (1). Last evaluated 2025-12-03.

Conditions:
Inborn genetic diseases. Identifiers: MedGen C0950123, MeSH D030342.

Allele frequency attached by ClinVar (database versions not stated): gnomAD exomes 0.00001; ExAC 0.00002.

Submissions (3):

Labcorp Genetics (formerly Invitae), Labcorp
Classification: Likely benign. Last evaluated: 2025-12-03. Review status: criteria provided, single submitter. Criteria: Invitae Variant Classification Sherloc (09022015). Collection method: clinical testing. Allele origin: germline.

Ambry Genetics
Classification: Uncertain significance for Inborn genetic diseases. Last evaluated: 2024-05-02. Review status: criteria provided, single submitter. Criteria: Ambry Variant Classification Scheme 2023. Collection method: clinical testing. Allele origin: germline.

GeneDx
Classification: Uncertain significance. Last evaluated: 2019-12-05. Review status: criteria provided, single submitter. Criteria: GeneDx Variant Classification Process June 2021. Collection method: clinical testing. Allele origin: germline. Affected: yes.
Comment: In silico analysis, which includes protein predictors and evolutionary conservation, supports a deleterious effect; Has not been previously published as pathogenic or benign to our knowledge